The following is an entry in ClinVar:

ClinVar aggregate classification (germline): Likely pathogenic. Review status: criteria provided, multiple submitters, no conflicts (2 of 4 stars). 2 submissions from 2 submitters: Likely pathogenic (2). Last evaluated 2025-05-27.

Conditions:
Velocardiofacial syndrome (VCFS). Also called: SHPRINTZEN VCF SYNDROME; VCF SYNDROME; Shprintzen syndrome. Identifiers: Orphanet 567, MedGen C0220704, MONDO:0008644, OMIM 192430. Disease mechanism: loss of function.
DiGeorge syndrome. Also called: THIRD AND FOURTH PHARYNGEAL POUCH SYNDROME; Catch22. Identifiers: Orphanet 567, MedGen C0012236, MONDO:0008564, OMIM 188400.

Allele frequency attached by ClinVar (database versions not stated): gnomAD 0.00001.
gnomAD v4.1: 2 of 1,059,144 alleles (0.00019%); highest among the groups gnomAD compares: African/African-American, 0.0017%; no homozygotes.

Submissions (2):

Labcorp Genetics (formerly Invitae), Labcorp
Classification: Likely pathogenic for DiGeorge syndrome. Last evaluated: 2025-05-27. Review status: criteria provided, single submitter. Criteria: Invitae Variant Classification Sherloc (09022015). Collection method: clinical testing. Allele origin: germline.
Comment: This sequence change affects an acceptor splice site in intron 2 of the TBX1 gene. It is expected to disrupt RNA splicing. Variants that disrupt the donor or acceptor splice site typically lead to a loss of protein function (PMID: 16199547), and loss-of-function variants in TBX1 are known to be pathogenic (PMID: 25860641, 29500247). This variant is present in population databases (no rsID available, gnomAD 0.01%). This variant has not been reported in the literature in individuals affected with TBX1-related conditions. ClinVar contains an entry for this variant (Variation ID: 3235917). In summary, the currently available evidence indicates that the variant is pathogenic, but additional data are needed to prove that conclusively. Therefore, this variant has been classified as Likely Pathogenic.

New York Genome Center
Classification: Likely pathogenic for DiGeorge syndrome; Velocardiofacial syndrome. Last evaluated: 2022-02-11. Review status: criteria provided, single submitter. Criteria: NYGC Assertion Criteria 2020. Collection method: clinical testing. Allele origin: inherited. Observed: 1 heterozygote. Study: PrenatalSEQ.
Comment: The inherited c.35-1G>A [NM_080647.1] splice-site variant identified has not been reported in affected individuals in the literature. The variant has 0.000006839 allele frequency in the gnomAD(v3) database [1 out of 146230 heterozygous alleles, no homozygote] suggesting it is not a common benign variant in populations represented in that database. The c.35-1G>A splice-site variant affects the canonical splice acceptor site in intron 2 (of 8) and is predicted to cause skipping of exon 3 of TBX1 gene. Exon 3 skipping is predicted to disrupt the wildtype translational reading frame and subject the transcript to nonsense-mediated mRNA decay. Loss-of-function variants in the TBX1 gene have been reported in affected individuals in the literature [PMID: 25860641, 29500247]. Depending on the mutation type and its localization, loss-of-function as well as dominant negative/gain-of-function effects have been proposed which may explain the extreme phenotypic variability among affected individuals [PMID: 25860641, 29500247, 17273972]. Based on the available evidence, the inherited c.35-1G>A splice-site variant identified is reported as Likely Pathogenic.

Literature cited by the submitters: PubMed 16199547 (cited by Labcorp Genetics (formerly Invitae), Labcorp); PubMed 25860641 (cited by Labcorp Genetics (formerly Invitae), Labcorp); PubMed 29500247 (cited by Labcorp Genetics (formerly Invitae), Labcorp).

NM_001379200.1(TBX1):c.61G>A (p.Ala21Thr)

Gene: TBX1 (T-box transcription factor 1; plus strand). Cytogenetic location: 22q11.21.
Variant type: single nucleotide variant.
Coding change: c.61G>A on transcript NM_001379200.1 (MANE Select); coding-DNA position 61, G replaced by A.
Protein change: p.Ala21Thr; replaces alanine 21 with threonine.
Molecular consequence: missense variant. On other transcripts: splice acceptor variant (3).
Genome position (GRCh38, 1-based): chr22:19,760,904, G>A. VCF-style: chr22-19760904-G-A. GRCh37 (hg19) VCF-style: chr22-19748427-G-A.
Other names: c.35-1G>A (NM_005992.1, NM_080646.2, NM_080647.1); short protein forms A21T.
Identifiers: ClinVar variation 3235917 (VCV003235917.2), dbSNP rs1252544416, ClinGen allele CA410681066.